The following is an entry in ClinVar:

NM_001190737.2(NFIB):c.327C>T (p.Pro109=)

Gene: NFIB (nuclear factor I B; minus strand). Cytogenetic location: 9p22.3.
Variant type: single nucleotide variant.
Coding change: c.327C>T on transcript NM_001190737.2 (MANE Select); coding-DNA position 327, C replaced by T.
Protein change: p.Pro109=; no amino-acid change (proline 109 retained).
Molecular consequence: synonymous variant.
Genome position (GRCh38, 1-based): chr9:14,307,224, G>A on the plus strand (C>T on the coding strand, the complement: NFIB is on the minus strand). VCF-style: chr9-14307224-G-A. GRCh37 (hg19) VCF-style: chr9-14307223-G-A.
Other names: c.405C>T, p.Pro135= (NM_001190738.2); c.393C>T, p.Pro131= (NM_001369458.1, NM_001369459.1, NM_001369462.1 and 1 more transcripts); c.315C>T, p.Pro105= (NM_001369460.1, NM_001369463.1, NM_001369466.1 and 4 more transcripts); c.327C>T, p.Pro109= (NM_001369461.1, NM_001369464.1, NM_001369471.1 and 4 more transcripts); c.300C>T, p.Pro100= (NM_001369465.1, NM_001369467.1, NM_001369476.1); c.183C>T, p.Pro61= (NM_001369469.1); c.312C>T, p.Pro104= (NM_001369474.1).
Identifiers: ClinVar variation 3037612 (VCV003037612.2), dbSNP rs202070696, ClinGen allele CA4988681.
Genomic context (GRCh38, chr9:14,307,224, plus strand): 5'-ACGCCAGACTTTGTCTGCCTGTCGCAGGCAGTCGATTCTCCTAATCTTACCCTTCTGGTC[G>A]GGATTGGATAAGACACAGCACGGGTGCTTCTTGCCAGTCACGGTGAGCACAAAGTCCTCT-3'
Protein context (NP_001177666.1, residues 99-119): KKHPCCVLSN[Pro109=]DQKGKIRRID

ClinVar aggregate classification (germline): Likely benign (0 of 4 stars; one submission).

Conditions:
NFIB-related disorder. Also called: NFIB-related condition.

Allele frequency attached by ClinVar (database versions not stated): ExAC 0.00001; gnomAD exomes 0.00001; gnomAD 0.00002.
gnomAD v4.1: 20 of 1,613,860 alleles (0.0012%); highest among the groups gnomAD compares: East Asian, 0.0022%; no homozygotes.

Submission:

PreventionGenetics, part of Exact Sciences
Classification: Likely benign for NFIB-related condition. Last evaluated: 2019-12-30. Review status: no assertion criteria provided. Collection method: clinical testing. Allele origin: germline.
Comment: This variant is classified as likely benign based on ACMG/AMP sequence variant interpretation guidelines (Richards et al. 2015 PMID: 25741868, with internal and published modifications).